The following is an entry in ClinVar:

NM_002291.3(LAMB1):c.2924C>T (p.Pro975Leu)

Gene: LAMB1 (laminin subunit beta 1; minus strand). Cytogenetic location: 7q31.1.
Variant type: single nucleotide variant.
Coding change: c.2924C>T on transcript NM_002291.3 (MANE Select); coding-DNA position 2924, C replaced by T.
Protein change: p.Pro975Leu; replaces proline 975 with leucine.
Molecular consequence: missense variant.
Genome position (GRCh38, 1-based): chr7:107,953,685, G>A on the plus strand (C>T on the coding strand, the complement: LAMB1 is on the minus strand). VCF-style: chr7-107953685-G-A. GRCh37 (hg19) VCF-style: chr7-107594130-G-A.
Other names: short protein forms P975L.
Identifiers: ClinVar variation 3365516 (VCV003365516.1).

ClinVar aggregate classification (germline): Uncertain significance (1 of 4 stars; one submission).

gnomAD v4.1: 40 of 1,614,164 alleles (0.0025%); highest among the groups gnomAD compares: Non-Finnish European, 0.0034%; no homozygotes.

Submission:

GeneDx
Classification: Uncertain significance. Last evaluated: 2023-12-14. Review status: criteria provided, single submitter. Criteria: GeneDx Variant Classification Process June 2021. Collection method: clinical testing. Allele origin: germline. Affected: yes.
Comment: Not observed at significant frequency in large population cohorts (gnomAD); In silico analysis supports that this missense variant has a deleterious effect on protein structure/function; Has not been previously published as pathogenic or benign to our knowledge; This variant is associated with the following publications: (PMID: 23472759)